The following is an entry in ClinVar:

NM_015404.4(WHRN):c.1612G>C (p.Val538Leu)

Gene: WHRN (whirlin; minus strand). Cytogenetic location: 9q32.
Variant type: single nucleotide variant.
Coding change: c.1612G>C on transcript NM_015404.4 (MANE Select); coding-DNA position 1612, G replaced by C.
Protein change: p.Val538Leu; replaces valine 538 with leucine.
Molecular consequence: missense variant.
Genome position (GRCh38, 1-based): chr9:114,423,328, C>G on the plus strand (G>C on the coding strand, the complement: WHRN is on the minus strand). VCF-style: chr9-114423328-C-G. GRCh37 (hg19) VCF-style: chr9-117185608-C-G.
Other names: c.463G>C, p.Val155Leu (NM_001083885.3); c.1612G>C, p.Val538Leu (NM_001173425.2); c.559G>C, p.Val187Leu (NM_001346890.1); short protein forms V155L, V187L, V538L.
Identifiers: ClinVar variation 1351291 (VCV001351291.6), dbSNP rs781298298, ClinGen allele CA5205894.

ClinVar aggregate classification (germline): Uncertain significance (1 of 4 stars; one submission).

gnomAD v4.1: 2 of 1,613,940 alleles (0.00012%); highest among the groups gnomAD compares: Admixed American, 0.0017%; no homozygotes.

Submission:

Labcorp Genetics (formerly Invitae), Labcorp
Classification: Uncertain significance. Last evaluated: 2024-01-08. Review status: criteria provided, single submitter. Criteria: Invitae Variant Classification Sherloc (09022015). Collection method: clinical testing. Allele origin: germline.
Comment: This sequence change replaces valine, which is neutral and non-polar, with leucine, which is neutral and non-polar, at codon 538 of the WHRN protein (p.Val538Leu). This variant is present in population databases (rs781298298, gnomAD 0.003%). This variant has not been reported in the literature in individuals affected with WHRN-related conditions. ClinVar contains an entry for this variant (Variation ID: 1351291). An algorithm developed to predict the effect of missense changes on protein structure and function (PolyPhen-2) suggests that this variant is likely to be tolerated. In summary, the available evidence is currently insufficient to determine the role of this variant in disease. Therefore, it has been classified as a Variant of Uncertain Significance.